The following is an entry in ClinVar:

NM_001378457.1(DMXL2):c.4380A>G (p.Thr1460=)

Gene: DMXL2 (Dmx like 2; minus strand). Cytogenetic location: 15q21.2.
Variant type: single nucleotide variant.
Coding change: c.4380A>G on transcript NM_001378457.1 (MANE Select); coding-DNA position 4380, A replaced by G.
Protein change: p.Thr1460=; no amino-acid change (threonine 1460 retained).
Molecular consequence: synonymous variant. On other transcripts: non-coding transcript variant (2), intron variant (2).
Genome position (GRCh38, 1-based): chr15:51,498,844, T>C on the plus strand (A>G on the coding strand, the complement: DMXL2 is on the minus strand). VCF-style: chr15-51498844-T-C. GRCh37 (hg19) VCF-style: chr15-51791041-T-C.
Other names: c.4380A>G (NM_001174116.1); c.4380A>G, p.Thr1460= (NM_001174116.3, NM_001378458.1, NM_001378459.1 and 4 more transcripts); c.4140A>G, p.Thr1380= (NM_001378464.1); c.2765-7097A>G (NM_001378460.1); c.2765-3710A>G (NM_001174117.3).
Identifiers: ClinVar variation 1414899 (VCV001414899.9), dbSNP rs111450341, ClinGen allele CA7562019.

ClinVar aggregate classification (germline): Likely benign. Review status: criteria provided, multiple submitters, no conflicts (2 of 4 stars). 3 submissions from 3 submitters: Likely benign (2). 1 of the submissions does not count toward it. Last evaluated 2026-01-08.

Conditions:
DMXL2-related disorder. Also called: DMXL2-related condition.

Allele frequency attached by ClinVar (database versions not stated): ExAC 0.00002; gnomAD exomes 0.00002 and 0.00003; ESP Exome Variant Server 0.00008; gnomAD 0.00013 and 0.00017; TOPMed 0.00028.
gnomAD v4.1: 55 of 1,614,080 alleles (0.0034%); highest among the groups gnomAD compares: African/African-American, 0.067%; no homozygotes.

Submissions (3):

Labcorp Genetics (formerly Invitae), Labcorp
Classification: Likely benign. Last evaluated: 2026-01-08. Review status: criteria provided, single submitter. Criteria: Invitae Variant Classification Sherloc (09022015). Collection method: clinical testing. Allele origin: germline.

Blueprint Genetics
Classification: Likely benign. Last evaluated: 2024-11-13. Review status: criteria provided, single submitter. Criteria: ACMG Guidelines, 2015. Collection method: clinical testing. Allele origin: germline.

PreventionGenetics, part of Exact Sciences
Classification: Likely benign for DMXL2-related condition. Last evaluated: 2024-03-29. Review status: no assertion criteria provided. Collection method: clinical testing. Allele origin: germline. Not counted in ClinVar's aggregate classification.
Comment: This variant is classified as likely benign based on ACMG/AMP sequence variant interpretation guidelines (Richards et al. 2015 PMID: 25741868, with internal and published modifications).